The following is an entry in ClinVar:

ClinVar aggregate classification (germline): Conflicting classifications of pathogenicity. Review status: criteria provided, conflicting classifications (1 of 4 stars). 2 submissions from 2 submitters: Likely pathogenic (1); Uncertain significance (1). Last evaluated 2022-01-14.

Submissions (2):

Labcorp Genetics (formerly Invitae), Labcorp
Classification: Uncertain significance. Last evaluated: 2022-01-14. Review status: criteria provided, single submitter. Criteria: Invitae Variant Classification Sherloc (09022015). Collection method: clinical testing. Allele origin: germline.
Comment: This variant has not been reported in the literature in individuals affected with FOXF1-related conditions. ClinVar contains an entry for this variant (Variation ID: 988538). Algorithms developed to predict the effect of missense changes on protein structure and function (SIFT, PolyPhen-2, Align-GVGD) all suggest that this variant is likely to be disruptive. In summary, the available evidence is currently insufficient to determine the role of this variant in disease. Therefore, it has been classified as a Variant of Uncertain Significance. This sequence change replaces lysine, which is basic and polar, with glutamic acid, which is acidic and polar, at codon 108 of the FOXF1 protein (p.Lys108Glu). This variant is not present in population databases (gnomAD no frequency).

Clinical Genetics and Genomics, Karolinska University Hospital
Classification: Likely pathogenic. Last evaluated: 2016-10-17. Review status: criteria provided, single submitter. Criteria: ACMG Guidelines, 2015. Collection method: clinical testing. Allele origin: germline. Affected: yes. Observed: 1 variant allele.

NM_001451.3(FOXF1):c.322A>G (p.Lys108Glu)

Gene: FOXF1 (forkhead box F1; plus strand). Cytogenetic location: 16q24.1.
Variant type: single nucleotide variant.
Coding change: c.322A>G on transcript NM_001451.3 (MANE Select); coding-DNA position 322, A replaced by G.
Protein change: p.Lys108Glu; replaces lysine 108 with glutamic acid.
Molecular consequence: missense variant.
Genome position (GRCh38, 1-based): chr16:86,510,891, A>G. VCF-style: chr16-86510891-A-G. GRCh37 (hg19) VCF-style: chr16-86544497-A-G.
Other names: short protein forms K108E.
Identifiers: ClinVar variation 988538 (VCV000988538.6), dbSNP rs1969551030, ClinGen allele CA397006017.